The following is an entry in ClinVar:

NM_000789.4(ACE):c.1038G>C (p.Ser346=)

Gene: ACE (angiotensin I converting enzyme; plus strand). Cytogenetic location: 17q23.3.
Variant type: single nucleotide variant.
Coding change: c.1038G>C on transcript NM_000789.4 (MANE Select); coding-DNA position 1038, G replaced by C.
Protein change: p.Ser346=; no amino-acid change (serine 346 retained).
Molecular consequence: synonymous variant.
Genome position (GRCh38, 1-based): chr17:63,481,658, G>C. VCF-style: chr17-63481658-G-C. GRCh37 (hg19) VCF-style: chr17-61559019-G-C.
Identifiers: ClinVar variation 778721 (VCV000778721.39), dbSNP rs34680431, ClinGen allele CA8699363.

ClinVar aggregate classification (germline): Benign/Likely benign. Review status: criteria provided, multiple submitters, no conflicts (2 of 4 stars). 5 submissions from 5 submitters: Benign (2); Likely benign (3). Last evaluated 2026-01-23.

Conditions:
Hemorrhage, intracerebral, susceptibility to (ICH). Also called: Stroke, hemorrhagic, susceptibility to. Identifiers: MedGen C3281105, MONDO:0100533, OMIM 614519.
Renal tubular dysgenesis of genetic origin. Also called: PRIMITIVE RENAL TUBULE SYNDROME. Identifiers: Orphanet 97369, MedGen C5681536, MONDO:0009970, OMIM 267430.
Microvascular complications of diabetes, susceptibility to, 3. Identifiers: MedGen C2675470, MONDO:0012963, OMIM 612624.
Renal tubular dysgenesis. Also called: Renotubular dysgenesis. Identifiers: Orphanet 3033, MedGen C0266313, MONDO:0017609, HP:0008660.

Allele frequency attached by ClinVar (database versions not stated): 1000 Genomes Project 30x 0.00344; 1000 Genomes Project 0.00359; ExAC 0.00396; ESP Exome Variant Server 0.00423; gnomAD 0.00487 and 0.00493; TOPMed 0.00559.
gnomAD v4.1: 6,540 of 1,614,060 alleles (0.41%); highest among the groups gnomAD compares: Middle Eastern, 4.2%; 39 homozygotes.

Submissions (5):

Labcorp Genetics (formerly Invitae), Labcorp
Classification: Benign. Last evaluated: 2026-01-23. Review status: criteria provided, single submitter. Criteria: Invitae Variant Classification Sherloc (09022015). Collection method: clinical testing. Allele origin: germline.

CeGaT Center for Human Genetics Tuebingen
Classification: Benign. Last evaluated: 2023-01-01. Review status: criteria provided, single submitter. Criteria: CeGaT Center For Human Genetics Tuebingen Variant Classification Criteria Version 2. Collection method: clinical testing. Allele origin: germline. Affected: yes. Observed: 1 variant allele.
Comment: ACE: BP4, BP7, BS1, BS2

Fulgent Genetics
Classification: Likely benign for Renal tubular dysgenesis of genetic origin; Microvascular complications of diabetes, susceptibility to, 3; Hemorrhage, intracerebral, susceptibility to. Last evaluated: 2021-10-14. Review status: criteria provided, single submitter. Criteria: ACMG Guidelines, 2015. Collection method: clinical testing. Allele origin: unknown.

Illumina Laboratory Services, Illumina
Classification: Likely benign for Renal tubular dysgenesis of genetic origin. Last evaluated: 2018-01-12. Review status: criteria provided, single submitter. Criteria: ICSL Variant Classification Criteria 13 December 2019. Collection method: clinical testing. Allele origin: germline.
Comment: This variant was observed in the ICSL laboratory as part of a predisposition screen in an ostensibly healthy population. It had not been previously curated by ICSL or reported in the Human Gene Mutation Database (HGMD: prior to June 1st, 2018), and was therefore a candidate for classification through an automated scoring system. Utilizing variant allele frequency, disease prevalence and penetrance estimates, and inheritance mode, an automated score was calculated to assess if this variant is too frequent to cause the disease. Based on the score and internal cut-off values, a variant classified as likely benign is not then subjected to further curation. The score for this variant resulted in a classification of likely benign for this disease.

Breakthrough Genomics
Classification: Likely benign. Review status: criteria provided, single submitter. Criteria: ACMG Guidelines, 2015. Collection method: not provided. Allele origin: germline. Inheritance: Autosomal recessive inheritance. Affected: yes.